The following is an entry in ClinVar:

ClinVar aggregate classification (germline): Uncertain significance. Review status: reviewed by expert panel (3 of 4 stars). 3 submissions from 3 submitters: Uncertain significance (1). 2 of the submissions do not count toward it. Last evaluated 2025-02-25.

Conditions:
DICER1-related tumor predisposition. Also called: DICER1-related pleuropulmonary blastoma cancer predisposition syndrome; DICER1 syndrome. Identifiers: Orphanet 284343, MedGen C3839822, MONDO:0100216.
Hereditary cancer-predisposing syndrome. Also called: Hereditary neoplastic syndrome; Tumor predisposition; Neoplastic Syndromes, Hereditary; Hereditary Cancer Syndrome. Identifiers: Orphanet 140162, MedGen C0027672, MeSH D009386, MONDO:0015356.

Allele frequency attached by ClinVar (database versions not stated): gnomAD 0.00001; TOPMed 0.00001; ExAC 0.00002; gnomAD exomes 0.00003.

Submissions (3):

ClinGen DICER1 and miRNA-Processing Gene Variant Curation Expert Panel, ClinGen
Classification: Uncertain significance for DICER1-related tumor predisposition. Last evaluated: 2025-02-25. Review status: reviewed by expert panel. Criteria: ClinGen DICER1 ACMG Specifications DICER1 V1.3.0. Collection method: curation. Allele origin: germline. Inheritance: Autosomal dominant inheritance.
Comment: The NM_177438.3:c.5626G>A variant in DICER1 is a missense variant predicted to cause substitution of glycine by arginine at amino acid 1876 (p.Gly1876Arg). Although this variant has been observed in germline cases, to our knowledge, this variant has not been reported in individuals with DICER1-related tumor predisposition (PS4 not met; Internal lab contributors). The total allele frequency in gnomAD v4.1.0 is 0.00001177 (19/1614002 alleles) with a highest population minor allele frequency of 0.0002343 (15/64030 alleles) in European (Finnish) population (PM2_Supporting, BS1, and BA1 are not met). In silico tools predict no damaging impact of the variant on protein function (REVEL: 0.41; MaxEntScan and SpliceAI: no effect on splicing) (BP4). In summary, this variant meets the criteria to be classified as Uncertain Significance for DICER1-related tumor predisposition based on the ACMG/AMP criteria applied, as specified by the ClinGen DICER1 VCEP: BP4. (Bayesian Points: -1; VCEP specifications version 1.3.0; 02/25/2025)

Labcorp Genetics (formerly Invitae), Labcorp
Classification: Likely benign for DICER1-related tumor predisposition. Last evaluated: 2025-11-27. Review status: criteria provided, single submitter. Criteria: Invitae Variant Classification Sherloc (09022015). Collection method: clinical testing. Allele origin: germline. Not counted in ClinVar's aggregate classification.

Ambry Genetics
Classification: Uncertain significance for Hereditary cancer-predisposing syndrome. Last evaluated: 2025-03-02. Review status: criteria provided, single submitter. Criteria: Ambry Variant Classification Scheme 2023. Collection method: clinical testing. Allele origin: germline. Not counted in ClinVar's aggregate classification.
Comment: The p.G1876R variant (also known as c.5626G>A), located in coding exon 26 of the DICER1 gene, results from a G to A substitution at nucleotide position 5626. The glycine at codon 1876 is replaced by arginine, an amino acid with dissimilar properties. This amino acid position is highly conserved in available vertebrate species. In addition, this alteration is predicted to be deleterious by in silico analysis. Since supporting evidence is limited at this time, the clinical significance of this alteration remains unclear.

NM_177438.3(DICER1):c.5626G>A (p.Gly1876Arg)

Gene: DICER1 (dicer 1, ribonuclease III; minus strand). Cytogenetic location: 14q32.13.
Variant type: single nucleotide variant.
Coding change: c.5626G>A on transcript NM_177438.3 (MANE Select); coding-DNA position 5626, G replaced by A.
Protein change: p.Gly1876Arg; replaces glycine 1876 with arginine.
Molecular consequence: missense variant. On other transcripts: synonymous variant (1).
Genome position (GRCh38, 1-based): chr14:95,090,641, C>T on the plus strand (G>A on the coding strand, the complement: DICER1 is on the minus strand). VCF-style: chr14-95090641-C-T. GRCh37 (hg19) VCF-style: chr14-95556978-C-T.
Other names: NM_177438.3(DICER1):c.5626G>A; p.Gly1876Arg; c.5463G>A, p.Thr1821= (NM_001195573.1); c.5626G>A, p.Gly1876Arg (NM_001271282.3, NM_001291628.2, NM_030621.4); short protein forms G1876R.
Identifiers: ClinVar variation 429154 (VCV000429154.17), dbSNP rs770962059, ClinGen allele CA7330608.